The following is an entry in ClinVar:

ClinVar aggregate classification (germline): Uncertain significance (1 of 4 stars; one submission).

gnomAD v4.1: 3 of 1,612,328 alleles (0.00019%); highest among the groups gnomAD compares: African/African-American, 0.0027%; no homozygotes.

Submission:

Labcorp Genetics (formerly Invitae), Labcorp
Classification: Uncertain significance. Last evaluated: 2025-03-12. Review status: criteria provided, single submitter. Criteria: Invitae Variant Classification Sherloc (09022015). Collection method: clinical testing. Allele origin: germline.
Comment: This sequence change falls in intron 11 of the COL4A3 gene. It does not directly change the encoded amino acid sequence of the COL4A3 protein. It affects a nucleotide within the consensus splice site. This variant is not present in population databases (gnomAD no frequency). This variant has not been reported in the literature in individuals affected with COL4A3-related conditions. Variants that disrupt the consensus splice site are a relatively common cause of aberrant splicing (PMID: 17576681, 9536098). Algorithms developed to predict the effect of sequence changes on RNA splicing suggest that this variant is not likely to affect RNA splicing. In summary, the available evidence is currently insufficient to determine the role of this variant in disease. Therefore, it has been classified as a Variant of Uncertain Significance.

Literature cited by the submitters: PubMed 17576681; PubMed 9536098.

NM_000091.5(COL4A3):c.645+5A>T

Genes: COL4A3 (collagen type IV alpha 3 chain; plus strand), MFF-DT (MFF divergent transcript; minus strand). Cytogenetic location: 2q36.3.
Variant type: single nucleotide variant.
Coding change: c.645+5A>T on transcript NM_000091.5 (MANE Select); 5 bases into the intron after coding-DNA position 645, A replaced by T.
Molecular consequence: intron variant.
Genome position (GRCh38, 1-based): chr2:227,251,376, A>T. VCF-style: chr2-227251376-A-T. GRCh37 (hg19) VCF-style: chr2-228116092-A-T.
Identifiers: ClinVar variation 4769758 (VCV004769758.1).
Genomic context (GRCh38, chr2:227,251,376, plus strand): 5'-TCATTTGTGGATTTTTCTAGGGCTTTCCAGGAGCCATGGGACCTAGAGGACCTAAGGTAG[A>T]CTACAGTTCATATGATGTAACAGCTAGCACACCCTACTCAATCTCAAAGCCAAACCTGGT-3'